The following is an entry in ClinVar:

ClinVar aggregate classification (germline): Uncertain significance (1 of 4 stars; one submission).

Conditions:
Combined immunodeficiency due to LRBA deficiency. Also called: Common variable immunodeficiency 8, with autoimmunity. Identifiers: Orphanet 445018, MedGen C3553512, MONDO:0013863, OMIM 614700.

gnomAD v4.1: 24 of 1,613,426 alleles (0.0015%); highest among the groups gnomAD compares: South Asian, 0.0033%; no homozygotes.

Submissions (2):

Labcorp Genetics (formerly Invitae), Labcorp
Classification: Uncertain significance for Combined immunodeficiency due to LRBA deficiency. Last evaluated: 2022-03-09. Review status: criteria provided, single submitter. Criteria: Invitae Variant Classification Sherloc (09022015). Collection method: clinical testing. Allele origin: germline.
Comment: This sequence change replaces isoleucine, which is neutral and non-polar, with valine, which is neutral and non-polar, at codon 2273 of the LRBA protein (p.Ile2273Val). This variant is present in population databases (rs750883073, gnomAD 0.01%). This variant has not been reported in the literature in individuals affected with LRBA-related conditions. Algorithms developed to predict the effect of missense changes on protein structure and function output the following: SIFT: "Tolerated"; PolyPhen-2: "Benign"; Align-GVGD: "Class C0". The valine amino acid residue is found in multiple mammalian species, which suggests that this missense change does not adversely affect protein function. Algorithms developed to predict the effect of sequence changes on RNA splicing suggest that this variant may disrupt the consensus splice site. In summary, the available evidence is currently insufficient to determine the role of this variant in disease. Therefore, it has been classified as a Variant of Uncertain Significance.

Dr. Peter K. Rogan Lab, Western University
No classification provided (evidence only). Condition: Uterine corpus endometrial carcinoma. Review status: no classification provided. Collection method: in vitro. Allele origin: not applicable. Functional consequence: retained intron. Not counted in ClinVar's aggregate classification.

NM_001364905.1(LRBA):c.6784A>G (p.Ile2262Val)

Gene: LRBA (LPS responsive beige-like anchor protein; minus strand). Cytogenetic location: 4q31.3.
Variant type: single nucleotide variant.
Coding change: c.6784A>G on transcript NM_001364905.1 (MANE Select); coding-DNA position 6784, A replaced by G.
Protein change: p.Ile2262Val; replaces isoleucine 2262 with valine.
Molecular consequence: missense variant.
Genome position (GRCh38, 1-based): chr4:150,436,861, T>C on the plus strand (A>G on the coding strand, the complement: LRBA is on the minus strand). VCF-style: chr4-150436861-T-C. GRCh37 (hg19) VCF-style: chr4-151358013-T-C.
Other names: c.6784A>G, p.Ile2262Val (NM_001199282.3, NM_001367550.1); c.6817A>G, p.Ile2273Val (NM_006726.5); short protein forms I2273V, I2262V.
Identifiers: ClinVar variation 1942918 (VCV001942918.3), dbSNP rs750883073, ClinGen allele CA3101810.